The following is an entry in ClinVar:

NM_002439.5(MSH3):c.2084+5G>C

Gene: MSH3 (mutS homolog 3; plus strand). Cytogenetic location: 5q14.1.
Variant type: single nucleotide variant.
Coding change: c.2084+5G>C on transcript NM_002439.5 (MANE Select); 5 bases into the intron after coding-DNA position 2084, G replaced by C.
Molecular consequence: intron variant.
Genome position (GRCh38, 1-based): chr5:80,768,125, G>C. VCF-style: chr5-80768125-G-C. GRCh37 (hg19) VCF-style: chr5-80063944-G-C.
Identifiers: ClinVar variation 643504 (VCV000643504.13), dbSNP rs1580034045, ClinGen allele CA915943399.

ClinVar aggregate classification (germline): Uncertain significance. Review status: criteria provided, multiple submitters, no conflicts (2 of 4 stars). 3 submissions from 3 submitters: Uncertain significance (3). Last evaluated 2026-01-19.

Conditions:
Endometrial carcinoma. Also called: Endometrial carcinoma, somatic. Identifiers: MedGen C0476089, MONDO:0002447, OMIM 608089, HP:0012114.
Hereditary cancer-predisposing syndrome. Also called: Neoplastic Syndromes, Hereditary; Tumor predisposition; Hereditary neoplastic syndrome; Hereditary Cancer Syndrome. Identifiers: Orphanet 140162, MedGen C0027672, MeSH D009386, MONDO:0015356.

gnomAD v4.1: 9 of 1,612,496 alleles (0.00056%); highest among the groups gnomAD compares: Non-Finnish European, 0.00025%; no homozygotes.

Submissions (3):

Labcorp Genetics (formerly Invitae), Labcorp
Classification: Uncertain significance. Last evaluated: 2026-01-19. Review status: criteria provided, single submitter. Criteria: Invitae Variant Classification Sherloc (09022015). Collection method: clinical testing. Allele origin: germline.
Comment: This sequence change falls in intron 14 of the MSH3 gene. It does not directly change the encoded amino acid sequence of the MSH3 protein. It affects a nucleotide within the consensus splice site. This variant is not present in population databases (gnomAD no frequency). This variant has not been reported in the literature in individuals affected with MSH3-related conditions. ClinVar contains an entry for this variant (Variation ID: 643504). Variants that disrupt the consensus splice site are a relatively common cause of aberrant splicing (PMID: 17576681, 9536098). Studies have shown that this variant is associated with altered splicing resulting in multiple RNA products (internal data). In summary, the available evidence is currently insufficient to determine the role of this variant in disease. Therefore, it has been classified as a Variant of Uncertain Significance.

Ambry Genetics
Classification: Uncertain significance for Hereditary cancer-predisposing syndrome. Last evaluated: 2025-07-18. Review status: criteria provided, single submitter. Criteria: Ambry Variant Classification Scheme 2023. Collection method: clinical testing. Allele origin: germline.
Comment: The c.2084+5G>C intronic variant results from a G to C substitution 5 nucleotides after coding exon 14 in the MSH3 gene. This nucleotide position is highly conserved in available vertebrate species. In silico splice site analysis predicts that this alteration may weaken the native splice donor site and will result in the creation or strengthening of a novel splice donor site. RNA studies have demonstrated that this alteration results in a splice defect; the clinical impact of this abnormal splicing is unknown at this time (Ambry internal data). Since supporting evidence is limited at this time, the clinical significance of this alteration remains unclear.

Baylor Genetics
Classification: Uncertain significance for Endometrial carcinoma. Last evaluated: 2023-05-23. Review status: criteria provided, single submitter. Criteria: ACMG Guidelines, 2015. Collection method: clinical testing. Allele origin: unknown.

Literature cited by the submitters: PubMed 17576681 (cited by Labcorp Genetics (formerly Invitae), Labcorp); PubMed 9536098 (cited by Labcorp Genetics (formerly Invitae), Labcorp).